The following is an entry in ClinVar:

NM_003978.5(PSTPIP1):c.985G>T (p.Ala329Ser)

Gene: PSTPIP1 (proline-serine-threonine phosphatase interacting protein 1; plus strand). Cytogenetic location: 15q24.3.
Variant type: single nucleotide variant.
Coding change: c.985G>T on transcript NM_003978.5 (MANE Select); coding-DNA position 985, G replaced by T.
Protein change: p.Ala329Ser; replaces alanine 329 with serine.
Molecular consequence: missense variant. On other transcripts: nonsense (1), non-coding transcript variant (1).
Genome position (GRCh38, 1-based): chr15:77,035,563, G>T. VCF-style: chr15-77035563-G-T. GRCh37 (hg19) VCF-style: chr15-77327904-G-T.
Other names: c.928G>T, p.Ala310Ser (NM_001321135.2); c.958G>T, p.Ala320Ser (NM_001321136.2); c.1180G>T, p.Ala394Ser (NM_001321137.1); c.985G>T, p.Glu329Ter (NM_001411086.1); short protein forms A329S, A394S, A310S, E329*, A320S.
Identifiers: ClinVar variation 3700523 (VCV003700523.2).
Genomic context (GRCh38, chr15:77,035,563, plus strand): 5'-CCCAGGTTCTCTGGACTGCTGCACGGAAGTCCCAAGACCACTTCGTTGGCAGCTTCTGCT[G>T]GTAAAGGGGGTCAGGAGGGGACCCCCAAACACACTGATCCTGGGGGGGAGGAGAGGTCTC-3'
Protein context (NP_003969.2, residues 319-339): PKTTSLAASA[Ala329Ser]STETLTPTPE

ClinVar aggregate classification (germline): Uncertain significance (1 of 4 stars; one submission).

Conditions:
Pyogenic arthritis-pyoderma gangrenosum-acne syndrome (PAPA). Also called: PAPA SYNDROME; FAMILIAL RECURRENT ARTHRITIS. Identifiers: Orphanet 69126, MedGen C1858361, MONDO:0011462, OMIM 604416.

Submission:

Labcorp Genetics (formerly Invitae), Labcorp
Classification: Uncertain significance for Pyogenic arthritis-pyoderma gangrenosum-acne syndrome. Last evaluated: 2024-07-23. Review status: criteria provided, single submitter. Criteria: Invitae Variant Classification Sherloc (09022015). Collection method: clinical testing. Allele origin: germline.
Comment: This sequence change replaces alanine, which is neutral and non-polar, with serine, which is neutral and polar, at codon 329 of the PSTPIP1 protein (p.Ala329Ser). This variant also falls at the last nucleotide of exon 13, which is part of the consensus splice site for this exon. This variant is not present in population databases (gnomAD no frequency). This variant has not been reported in the literature in individuals affected with PSTPIP1-related conditions. An algorithm developed to predict the effect of missense changes on protein structure and function (PolyPhen-2) suggests that this variant is likely to be tolerated. Variants that disrupt the consensus splice site are a relatively common cause of aberrant splicing (PMID: 17576681, 9536098). Algorithms developed to predict the effect of sequence changes on RNA splicing suggest that this variant may disrupt the consensus splice site. In summary, the available evidence is currently insufficient to determine the role of this variant in disease. Therefore, it has been classified as a Variant of Uncertain Significance.

Literature cited by the submitters: PubMed 17576681; PubMed 9536098.